The following is an entry in ClinVar:

ClinVar aggregate classification (germline): Uncertain significance. Review status: criteria provided, multiple submitters, no conflicts (2 of 4 stars). 6 submissions from 6 submitters: Uncertain significance (6). Last evaluated 2025-05-17.

Conditions:
Connective tissue disorder. Also called: Connective tissue disease. Identifiers: MedGen C0009782, MONDO:0003900.
Familial thoracic aortic aneurysm and aortic dissection (TAAD). Also called: Thoracic aortic aneurysms and dissections. Identifiers: Orphanet 91387, MedGen C4707243, MONDO:0019625.
Ehlers-Danlos syndrome, classic type, 1 (EDSCL1). Also called: EDS I; EHLERS-DANLOS SYNDROME, GRAVIS TYPE; EHLERS-DANLOS SYNDROME, SEVERE CLASSIC TYPE; Ehlers-Danlos syndrome, type 1; Ehlers-Danlos Syndrome, Classic Type, COL5A1-Related. Identifiers: MedGen C0268335, MONDO:0019567, OMIM 130000.

Allele frequency attached by ClinVar (database versions not stated): gnomAD exomes below 0.00001; gnomAD 0.00001; TOPMed 0.00001.
gnomAD v4.1: 26 of 1,612,524 alleles (0.0016%); highest among the groups gnomAD compares: Non-Finnish European, 0.002%; no homozygotes.

Submissions (6):

Labcorp Genetics (formerly Invitae), Labcorp
Classification: Uncertain significance for Ehlers-Danlos syndrome, classic type, 1. Last evaluated: 2025-05-17. Review status: criteria provided, single submitter. Criteria: Invitae Variant Classification Sherloc (09022015). Collection method: clinical testing. Allele origin: germline.
Comment: This sequence change replaces glutamic acid, which is acidic and polar, with lysine, which is basic and polar, at codon 1199 of the COL5A1 protein (p.Glu1199Lys). This variant is present in population databases (no rsID available, gnomAD 0.0009%). This variant has not been reported in the literature in individuals affected with COL5A1-related conditions. ClinVar contains an entry for this variant (Variation ID: 547284). Invitae Evidence Modeling of protein sequence and biophysical properties (such as structural, functional, and spatial information, amino acid conservation, physicochemical variation, residue mobility, and thermodynamic stability) has been performed for this missense variant. However, the output from this modeling did not meet the statistical confidence thresholds required to predict the impact of this variant on COL5A1 protein function. In summary, the available evidence is currently insufficient to determine the role of this variant in disease. Therefore, it has been classified as a Variant of Uncertain Significance.

Ambry Genetics
Classification: Uncertain significance for Familial thoracic aortic aneurysm and aortic dissection. Last evaluated: 2024-09-30. Review status: criteria provided, single submitter. Criteria: Ambry Variant Classification Scheme 2023. Collection method: clinical testing. Allele origin: germline.
Comment: The p.E1199K variant (also known as c.3595G>A), located in coding exon 46 of the COL5A1 gene, results from a G to A substitution at nucleotide position 3595. The glutamic acid at codon 1199 is replaced by lysine, an amino acid with similar properties. This amino acid position is highly conserved in available vertebrate species. In addition, the in silico prediction for this alteration is inconclusive. Since supporting evidence is limited at this time, the clinical significance of this alteration remains unclear.

GeneDx
Classification: Uncertain significance. Last evaluated: 2024-07-14. Review status: criteria provided, single submitter. Criteria: GeneDx Variant Classification Process June 2021. Collection method: clinical testing. Allele origin: germline. Affected: yes.
Comment: Has not been previously published as pathogenic or benign to our knowledge; Not observed at significant frequency in large population cohorts (gnomAD); Occurs in the triple helical domain at the X position in the canonical Gly-X-Y repeat; although this variant may have an effect on normal protein folding and function, missense substitution at the X position is not a common mechanism of disease (PMID: 22696272; HGMD); In silico analysis supports that this missense variant has a deleterious effect on protein structure/function; This variant is associated with the following publications: (PMID: 22696272)

Blueprint Genetics
Classification: Uncertain significance. Last evaluated: 2018-08-31. Review status: criteria provided, single submitter. Criteria: ACMG Guidelines, 2015. Collection method: clinical testing. Allele origin: germline.

Center for Human Genetics, Inc
Classification: Uncertain significance for Connective tissue disorder. Last evaluated: 2016-11-01. Review status: criteria provided, single submitter. Criteria: ACMG Guidelines, 2015. Collection method: clinical testing. Allele origin: germline. Affected: yes.

Human Genome Sequencing Center Clinical Lab, Baylor College of Medicine
Classification: Uncertain significance for Ehlers-Danlos syndrome, classic type I. Review status: criteria provided, single submitter. Criteria: ACMG Guidelines, 2015. Collection method: clinical testing. Allele origin: germline.

NM_000093.5(COL5A1):c.3595G>A (p.Glu1199Lys)

Gene: COL5A1 (collagen type V alpha 1 chain; plus strand). Cytogenetic location: 9q34.3.
Variant type: single nucleotide variant.
Coding change: c.3595G>A on transcript NM_000093.5 (MANE Select); coding-DNA position 3595, G replaced by A.
Protein change: p.Glu1199Lys; replaces glutamic acid 1199 with lysine.
Molecular consequence: missense variant.
Genome position (GRCh38, 1-based): chr9:134,811,504, G>A. VCF-style: chr9-134811504-G-A. GRCh37 (hg19) VCF-style: chr9-137703350-G-A.
Other names: c.3595G>A, p.Glu1199Lys (NM_001278074.1); short protein forms E1199K.
Identifiers: ClinVar variation 547284 (VCV000547284.17), dbSNP rs867211079, ClinGen allele CA201087679.